The following is an entry in ClinVar:

ClinVar aggregate classification (germline): Benign/Likely benign. Review status: criteria provided, multiple submitters, no conflicts (2 of 4 stars). 3 submissions from 3 submitters: Benign (1); Likely benign (2). Last evaluated 2025-03-04.

Allele frequency attached by ClinVar (database versions not stated): gnomAD 0.00039 and 0.00142; TOPMed 0.00055; gnomAD exomes 0.00241 and 0.00627; 1000 Genomes Project 0.00719; 1000 Genomes Project 30x 0.00765; ExAC 0.02174.
gnomAD v4.1: 3,589 of 1,547,006 alleles (0.23%); highest among the groups gnomAD compares: South Asian, 3.5%; 101 homozygotes.

Submissions (3):

Center for Genomic Medicine, Rigshospitalet, Copenhagen University Hospital
Classification: Benign. Last evaluated: 2025-03-04. Review status: criteria provided, single submitter. Criteria: ACMG Guidelines, 2015. Collection method: clinical testing. Allele origin: germline.

GeneDx
Classification: Likely benign. Last evaluated: 2018-06-15. Review status: criteria provided, single submitter. Criteria: GeneDx Variant Classification (06012015). Collection method: clinical testing. Allele origin: germline. Affected: yes.
Comment: This variant is considered likely benign or benign based on one or more of the following criteria: it is a conservative change, it occurs at a poorly conserved position in the protein, it is predicted to be benign by multiple in silico algorithms, and/or has population frequency not consistent with disease.

Breakthrough Genomics
Classification: Likely benign. Review status: criteria provided, single submitter. Criteria: ACMG Guidelines, 2015. Collection method: not provided. Allele origin: germline. Inheritance: Autosomal dominant inheritance. Affected: yes.

NM_002691.4(POLD1):c.2954-29C>T

Gene: POLD1 (DNA polymerase delta 1, catalytic subunit; plus strand). Cytogenetic location: 19q13.33.
Variant type: single nucleotide variant.
Coding change: c.2954-29C>T on transcript NM_002691.4 (MANE Select); 29 bases into the intron before coding-DNA position 2954, C replaced by T.
Molecular consequence: intron variant.
Genome position (GRCh38, 1-based): chr19:50,416,581, C>T. VCF-style: chr19-50416581-C-T. GRCh37 (hg19) VCF-style: chr19-50919838-C-T.
Other names: c.2954-29C>T (NM_001256849.1); c.3032-29C>T (NM_001308632.1).
Identifiers: ClinVar variation 676559 (VCV000676559.9), dbSNP rs368911467, ClinGen allele CA9596707.